The following is an entry in ClinVar:

NM_173076.3(ABCA12):c.6152G>A (p.Gly2051Asp)

Genes: ABCA12 (ATP binding cassette subfamily A member 12; minus strand), SNHG31 (small nucleolar RNA host gene 31; plus strand). Cytogenetic location: 2q35.
Variant type: single nucleotide variant.
Coding change: c.6152G>A on transcript NM_173076.3 (MANE Select); coding-DNA position 6152, G replaced by A.
Protein change: p.Gly2051Asp; replaces glycine 2051 with aspartic acid.
Molecular consequence: missense variant. On other transcripts: non-coding transcript variant (1).
Genome position (GRCh38, 1-based): chr2:214,956,744, C>T on the plus strand (G>A on the coding strand, the complement: ABCA12 is on the minus strand). VCF-style: chr2-214956744-C-T. GRCh37 (hg19) VCF-style: chr2-215821468-C-T.
Other names: c.5198G>A, p.Gly1733Asp (NM_015657.4); short protein forms G1733D, G2051D.
Identifiers: ClinVar variation 2787114 (VCV002787114.3), dbSNP rs1178721123, ClinGen allele CA350448331.

ClinVar aggregate classification (germline): Uncertain significance (1 of 4 stars; one submission).

Allele frequency attached by ClinVar (database versions not stated): gnomAD 0.00001.
gnomAD v4.1: 4 of 1,613,050 alleles (0.00025%); highest among the groups gnomAD compares: East Asian, 0.0022%; no homozygotes.

Submission:

Labcorp Genetics (formerly Invitae), Labcorp
Classification: Uncertain significance. Last evaluated: 2023-02-26. Review status: criteria provided, single submitter. Criteria: Invitae Variant Classification Sherloc (09022015). Collection method: clinical testing. Allele origin: germline.
Comment: In summary, the available evidence is currently insufficient to determine the role of this variant in disease. Therefore, it has been classified as a Variant of Uncertain Significance. This sequence change replaces glycine, which is neutral and non-polar, with aspartic acid, which is acidic and polar, at codon 2051 of the ABCA12 protein (p.Gly2051Asp). This variant is present in population databases (no rsID available, gnomAD 0.01%). This variant has not been reported in the literature in individuals affected with ABCA12-related conditions. Advanced modeling of protein sequence and biophysical properties (such as structural, functional, and spatial information, amino acid conservation, physicochemical variation, residue mobility, and thermodynamic stability) performed at Invitae indicates that this missense variant is not expected to disrupt ABCA12 protein function.